The following is an entry in ClinVar:

NM_000077.5(CDKN2A):c.304G>T (p.Ala102Ser)

Gene: CDKN2A (cyclin dependent kinase inhibitor 2A; minus strand). Cytogenetic location: 9p21.3.
Variant type: single nucleotide variant.
Coding change: c.304G>T on transcript NM_000077.5; coding-DNA position 304, G replaced by T.
Protein change: p.Ala102Ser; replaces alanine 102 with serine.
Molecular consequence: missense variant (on NM_000077.6). On other transcripts: 3 prime UTR variant (1).
Genome position (GRCh38, 1-based): chr9:21,971,055, C>A on the plus strand (G>T on the coding strand, the complement: CDKN2A is on the minus strand). VCF-style: chr9-21971055-C-A. GRCh37 (hg19) VCF-style: chr9-21971054-C-A.
Other names: c.304G>T, p.Ala102Ser (NM_000077.6, NM_001195132.2); c.151G>T, p.Ala51Ser (NM_001363763.2); c.347G>T, p.Gly116Val (NM_058195.4); c.*227G>T (NM_058197.5); short protein forms A102S, A51S, G116V.
Identifiers: ClinVar variation 3641072 (VCV003641072.3).

ClinVar aggregate classification (germline): Uncertain significance. Review status: criteria provided, multiple submitters, no conflicts (2 of 4 stars). 2 submissions from 2 submitters: Uncertain significance (2). Last evaluated 2026-08-07.

Conditions:
Hereditary cancer-predisposing syndrome. Also called: Tumor predisposition; Hereditary neoplastic syndrome; Hereditary Cancer Syndrome; Neoplastic Syndromes, Hereditary. Identifiers: Orphanet 140162, MedGen C0027672, MeSH D009386, MONDO:0015356.
Familial melanoma. Also called: Hereditary melanoma; Hereditary cutaneous melanoma. Identifiers: Orphanet 618, MedGen C1512419, MONDO:0018961.

Submissions (2):

Ambry Genetics
Classification: Uncertain significance for Hereditary cancer-predisposing syndrome. Last evaluated: 2026-08-07. Review status: criteria provided, single submitter. Criteria: Ambry Variant Classification Scheme 2023. Collection method: clinical testing. Allele origin: germline.
Comment: The p.A102S variant (also known as c.304G>T), located in coding exon 2 of the CDKN2A gene, results from a G to T substitution at nucleotide position 304. The alanine at codon 102 is replaced by serine, an amino acid with similar properties. This amino acid position is well conserved in available vertebrate species. In addition, the in silico prediction for this alteration is inconclusive. Of note, this variant is also known as c.347G>T (p.G116V) in the p14(ARF) isoform. Based on the available evidence, the clinical significance of this variant remains unclear.

Labcorp Genetics (formerly Invitae), Labcorp
Classification: Uncertain significance for Familial melanoma. Last evaluated: 2025-11-09. Review status: criteria provided, single submitter. Criteria: Invitae Variant Classification Sherloc (09022015). Collection method: clinical testing. Allele origin: germline.
Comment: The CDKN2A gene encodes two different proteins, p16INK4a and p14ARF, which are translated from alternative transcripts with different open reading frames. Both transcripts have been analyzed. We report either the variant with the higher classification or default to the CDKN2A (p16INK4a) variant. This report therefore includes the details for the CDKN2A (p16INK4a) variant. This sequence change replaces alanine, which is neutral and non-polar, with serine, which is neutral and polar, at codon 102 of the CDKN2A (p16INK4a) protein (p.Ala102Ser). This variant is not present in population databases (gnomAD no frequency). This variant has not been reported in the literature in individuals affected with CDKN2A (p16INK4a)-related conditions. This variant is also known as c.347G>T (p.Gly116Val) in CDKN2A (p14ARF) transcript. ClinVar contains an entry for this variant (Variation ID: 3641072). An algorithm developed to predict the effect of missense changes on protein structure and function (PolyPhen-2) suggests that this variant is likely to be disruptive. In summary, the available evidence is currently insufficient to determine the role of this variant in disease. Therefore, it has been classified as a Variant of Uncertain Significance.